The following is an entry in ClinVar:

ClinVar aggregate classification (germline): Uncertain significance (1 of 4 stars; one submission).

Conditions:
Arginase deficiency. Also called: ARGININEMIA; ARG1 DEFICIENCY; Arginase 1 Deficiency. Identifiers: Orphanet 90, MedGen C0268548, MONDO:0008814, OMIM 207800.

Allele frequency attached by ClinVar (database versions not stated): gnomAD 0.00001; TOPMed 0.00001.
gnomAD v4.1: 2 of 1,613,980 alleles (0.00012%); highest among the groups gnomAD compares: African/African-American, 0.0027%; no homozygotes.

Submission:

Labcorp Genetics (formerly Invitae), Labcorp
Classification: Uncertain significance for Arginase deficiency. Last evaluated: 2021-03-25. Review status: criteria provided, single submitter. Criteria: Invitae Variant Classification Sherloc (09022015). Collection method: clinical testing. Allele origin: germline.
Comment: This sequence change replaces glutamic acid with lysine at codon 26 of the ARG1 protein (p.Glu26Lys). The glutamic acid residue is weakly conserved and there is a small physicochemical difference between glutamic acid and lysine. This variant is not present in population databases (ExAC no frequency). This variant has not been reported in the literature in individuals with ARG1-related conditions. Algorithms developed to predict the effect of missense changes on protein structure and function output the following: SIFT: "Tolerated"; PolyPhen-2: "Benign"; Align-GVGD: "Class C0". The lysine amino acid residue is found in multiple mammalian species, suggesting that this missense change does not adversely affect protein function. These predictions have not been confirmed by published functional studies and their clinical significance is uncertain. In summary, the available evidence is currently insufficient to determine the role of this variant in disease. Therefore, it has been classified as a Variant of Uncertain Significance.

NM_000045.4(ARG1):c.76G>A (p.Glu26Lys)

Genes: ARG1 (arginase 1; plus strand), MED23 (mediator complex subunit 23; minus strand). Cytogenetic location: 6q23.2.
Variant type: single nucleotide variant.
Coding change: c.76G>A on transcript NM_000045.4 (MANE Select); coding-DNA position 76, G replaced by A.
Protein change: p.Glu26Lys; replaces glutamic acid 26 with lysine.
Molecular consequence: missense variant. On other transcripts: intron variant (2).
Genome position (GRCh38, 1-based): chr6:131,576,681, G>A. VCF-style: chr6-131576681-G-A. GRCh37 (hg19) VCF-style: chr6-131897821-G-A.
Other names: c.76G>A, p.Glu26Lys (NM_001244438.2, NM_001369020.1); c.4078-2386C>T (NM_001270521.2); c.4096-2386C>T (NM_015979.4); short protein forms E26K.
Identifiers: ClinVar variation 1381695 (VCV001381695.8), dbSNP rs998513101, ClinGen allele CA147891189.